The following continues an entry in ClinVar:

NM_032043.3(BRIP1):c.2255_2256del (p.Lys752fs)

Gene: BRIP1. ClinVar aggregate classification (germline): Pathogenic/Likely pathogenic. Pathogenic (14); Likely pathogenic (1).

Submissions 12 to 16 of 16:

Myriad Genetics, Inc.
Classification: Pathogenic for Familial cancer of breast. Last evaluated: 2023-02-28. Review status: criteria provided, single submitter. Criteria: Myriad Autosomal Dominant, Autosomal Recessive and X-Linked Classification Criteria (2023). Collection method: clinical testing. Allele origin: unknown.
Comment: This variant is considered pathogenic. This variant creates a frameshift predicted to result in premature protein truncation.

Sema4
Classification: Pathogenic for Hereditary cancer-predisposing syndrome. Last evaluated: 2021-09-02. Review status: criteria provided, single submitter. Criteria: Sema4 Curation Guidelines. Collection method: curation. Allele origin: germline.
Comment: The BRIP1 c.2255_2256delAA (p.K752RfsX12) variant has been reported in heterozygosity in multiple individuals with breast and/or ovarian cancer (PMID: 26681312, 26976419, 30322717, 29368626, 26681682, 26315354). It has also been reported as compound heterozygous in an individual with Fanconi anemia complementation group J (PMID: 16116423). This variant causes a frameshift at amino acid 752 that results in premature termination 12 amino acids downstream. At this location, this is predicted to cause nonsense-mediated decay and result in an absent protein (loss of function). This variant was observed in 3/113590 chromosomes in the Non-Finnish European population according to the Genome Aggregation Database (PMID: 32461654). This variant has been reported in ClinVar (Variation ID: 182372). Based on the current evidence available, this variant is interpreted as pathogenic.

Revvity Omics, Revvity
Classification: Pathogenic for Fanconi anemia complementation group J. Last evaluated: 2019-03-08. Review status: criteria provided, single submitter. Criteria: ACMG Guidelines, 2015. Collection method: clinical testing. Allele origin: germline.

Women's Health and Genetics/Laboratory Corporation of America, LabCorp
Classification: Pathogenic for Hereditary breast ovarian cancer syndrome. Last evaluated: 2016-04-18. Review status: criteria provided, single submitter. Criteria: LabCorp Variant Classification Summary - May 2015. Collection method: clinical testing. Allele origin: germline.
Comment: Variant summary: The variant of interest causes a frameshift mutation resulting in a premature termination codon, a known mechanism for disease, as these types of variants are predicted to cause transcript degradation through nonsense mediated decay or produce a truncated protein. The variant of interest was observed in the large, broad control population, ExAC, with an allele frequency of 2/121342 (1/60679), which does not exceed the predicted maximum expected allele frequency for a pathogenic BRIP1 variant of 1/16000. In addition, this observation needs to be cautiously considered due to the cohort including individuals that could harbor a BRIP1 phenotype. The variant of interest has been reported in affected individuals with varying phenotypes BrC, OvC and FANCJ, including the variant of interest segregating with disease (BrC) within one family (Seal_2006). In addition, multiple reputable clinical laboratories cite the variant with a classification of "pathogenic." Therefore, taking all available lines of evidence into consideration, the variant of interest is classified as Pathogenic.

Counsyl
Classification: Pathogenic for Fanconi anemia complementation group J; Ovarian cancer. Last evaluated: 2017-12-18. Review status: no assertion criteria provided. Collection method: clinical testing. Allele origin: unknown. Not counted in ClinVar's aggregate classification.

Literature cited by the submitters: PubMed 16116423 (cited by 7 submitters); PubMed 17033622 (cited by 4 submitters); PubMed 21964575 (cited by Labcorp Genetics (formerly Invitae), Labcorp); PubMed 26315354 (cited by 5 submitters); PubMed 26681312 (cited by 7 submitters); PubMed 26681682 (cited by 4 submitters); PubMed 26976419 (cited by 6 submitters); PubMed 30322717 (cited by 4 submitters); PubMed 33471991 (cited by Quest Diagnostics Nichols Institute San Juan Capistrano); PubMed 34326862 (cited by Quest Diagnostics Nichols Institute San Juan Capistrano); PubMed 34887416 (cited by Quest Diagnostics Nichols Institute San Juan Capistrano); PubMed 35626031 (cited by Quest Diagnostics Nichols Institute San Juan Capistrano); PubMed 36451132 (cited by Quest Diagnostics Nichols Institute San Juan Capistrano); PubMed 28152038 (cited by Quest Diagnostics Nichols Institute San Juan Capistrano); PubMed 29368626 (cited by 3 submitters).